The following is an entry in ClinVar:

NM_001283009.2(RTEL1):c.2615G>A (p.Arg872Gln)

Genes: RTEL1 (regulator of telomere elongation helicase 1; plus strand), RTEL1-TNFRSF6B (RTEL1-TNFRSF6B readthrough (NMD candidate); plus strand). Cytogenetic location: 20q13.33.
Variant type: single nucleotide variant.
Coding change: c.2615G>A on transcript NM_001283009.2 (MANE Select); coding-DNA position 2615, G replaced by A.
Protein change: p.Arg872Gln; replaces arginine 872 with glutamine.
Molecular consequence: missense variant. On other transcripts: non-coding transcript variant (1).
Genome position (GRCh38, 1-based): chr20:63,691,800, G>A. VCF-style: chr20-63691800-G-A. GRCh37 (hg19) VCF-style: chr20-62323153-G-A.
Other names: c.1946G>A, p.Arg649Gln (NM_001283010.1); c.2615G>A, p.Arg872Gln (NM_016434.4); c.2687G>A, p.Arg896Gln (NM_032957.5); short protein forms R896Q, R649Q, R872Q.
Identifiers: ClinVar variation 2162272 (VCV002162272.4), dbSNP rs751636582, ClinGen allele CA9965432.
Genomic context (GRCh38, chr20:63,691,800, plus strand): 5'-AGGCCCACAGCTGCTCCACCCTGTCCCTCCTGTCTGAGAAGAGGCCGGCAGAAGAACCGC[G>A]AGGAGGGAGGAAGAAGATCCGGCTGGTCAGCCACCCGGTGCGTGAGCTGTCCCTGCACCT-3'
Protein context (NP_001269938.1, residues 862-882): LSEKRPAEEP[Arg872Gln]GGRKKIRLVS

ClinVar aggregate classification (germline): Uncertain significance. Review status: criteria provided, multiple submitters, no conflicts (2 of 4 stars). 3 submissions from 3 submitters: Uncertain significance (3). Last evaluated 2026-01-21.

Conditions:
Dyskeratosis congenita, autosomal recessive 5 (DKCB5). Identifiers: MedGen C3554656, MONDO:0014076, OMIM 615190.
Pulmonary fibrosis and/or bone marrow failure, Telomere-related, 3. Also called: PULMONARY FIBROSIS AND/OR BONE MARROW FAILURE SYNDROME, TELOMERE-RELATED, 3. Identifiers: Orphanet 2032, MedGen C4225346, MONDO:0014613, OMIM 616373.
Inborn genetic diseases. Identifiers: MedGen C0950123, MeSH D030342.

Allele frequency attached by ClinVar (database versions not stated): ExAC 0.00001; gnomAD exomes 0.00001.
gnomAD v4.1: 19 of 1,612,330 alleles (0.0012%); highest among the groups gnomAD compares: East Asian, 0.0022%; no homozygotes.

Submissions (3):

Labcorp Genetics (formerly Invitae), Labcorp
Classification: Uncertain significance for Dyskeratosis congenita, autosomal recessive 5; Pulmonary fibrosis and/or bone marrow failure, Telomere-related, 3. Last evaluated: 2026-01-21. Review status: criteria provided, single submitter. Criteria: Invitae Variant Classification Sherloc (09022015). Collection method: clinical testing. Allele origin: germline.
Comment: This sequence change replaces arginine, which is basic and polar, with glutamine, which is neutral and polar, at codon 872 of the RTEL1 protein (p.Arg872Gln). The frequency data for this variant in the population databases is considered unreliable, as metrics indicate poor data quality at this position in the gnomAD database. This variant has not been reported in the literature in individuals affected with RTEL1-related conditions. ClinVar contains an entry for this variant (Variation ID: 2162272). An algorithm developed to predict the effect of missense changes on protein structure and function (PolyPhen-2) suggests that this variant is likely to be disruptive. In summary, the available evidence is currently insufficient to determine the role of this variant in disease. Therefore, it has been classified as a Variant of Uncertain Significance.

Ambry Genetics
Classification: Uncertain significance for Inborn genetic diseases. Last evaluated: 2025-08-21. Review status: criteria provided, single submitter. Criteria: Ambry Variant Classification Scheme 2023. Collection method: clinical testing. Allele origin: germline.
Comment: The p.R872Q variant (also known as c.2615G>A), located in coding exon 27 of the RTEL1 gene, results from a G to A substitution at nucleotide position 2615. The arginine at codon 872 is replaced by glutamine, an amino acid with highly similar properties. This amino acid position is conserved. In addition, this alteration is predicted to be tolerated by in silico analysis. Based on the available evidence, the clinical significance of this variant remains unclear.

Blueprint Genetics
Classification: Uncertain significance. Last evaluated: 2020-06-19. Review status: criteria provided, single submitter. Criteria: ACMG Guidelines, 2015. Collection method: clinical testing. Allele origin: germline.